The following is an entry in ClinVar:

ClinVar aggregate classification (germline): Uncertain significance (1 of 4 stars; one submission).

Submission:

Labcorp Genetics (formerly Invitae), Labcorp
Classification: Uncertain significance. Last evaluated: 2022-02-09. Review status: criteria provided, single submitter. Criteria: Invitae Variant Classification Sherloc (09022015). Collection method: clinical testing. Allele origin: germline.
Comment: In summary, the available evidence is currently insufficient to determine the role of this variant in disease. Therefore, it has been classified as a Variant of Uncertain Significance. Algorithms developed to predict the effect of missense changes on protein structure and function are either unavailable or do not agree on the potential impact of this missense change (SIFT: "Deleterious"; PolyPhen-2: "Probably Damaging"; Align-GVGD: "Class C0"). This variant has not been reported in the literature in individuals affected with APC2-related conditions. This variant is not present in population databases (gnomAD no frequency). This sequence change replaces valine, which is neutral and non-polar, with glycine, which is neutral and non-polar, at codon 2036 of the APC2 protein (p.Val2036Gly).

NM_005883.3(APC2):c.6107T>G (p.Val2036Gly)

Gene: APC2 (APC regulator of Wnt signaling pathway 2; plus strand). Cytogenetic location: 19p13.3.
Variant type: single nucleotide variant.
Coding change: c.6107T>G on transcript NM_005883.3 (MANE Select); coding-DNA position 6107, T replaced by G.
Protein change: p.Val2036Gly; replaces valine 2036 with glycine.
Molecular consequence: missense variant.
Genome position (GRCh38, 1-based): chr19:1,469,408, T>G. VCF-style: chr19-1469408-T-G. GRCh37 (hg19) VCF-style: chr19-1469407-T-G.
Other names: c.6104T>G, p.Val2035Gly (NM_001351273.1); short protein forms V2035G, V2036G.
Identifiers: ClinVar variation 2095389 (VCV002095389.4), dbSNP rs2512545767, ClinGen allele CA403042554.
Genomic context (GRCh38, chr19:1,469,408, plus strand): 5'-CCGCGGCCTCTGCCCCCCAGGGCGCCTCGCCCCGCCGCGGCCGGCCCGCGCTGCCCGCCG[T>G]CTTCCTCTGCTCCTCGCGCTGCGAAGAGCTCCGAGCGGCACCCCGGCAGGGCCCGGCCCC-3'
Protein context (NP_005874.1, residues 2026-2046): PRRGRPALPA[Val2036Gly]FLCSSRCEEL